The following is an entry in ClinVar:

NM_000222.3(KIT):c.1396G>A (p.Gly466Arg)

Gene: KIT (KIT proto-oncogene, receptor tyrosine kinase; plus strand). Cytogenetic location: 4q12.
Variant type: single nucleotide variant.
Coding change: c.1396G>A on transcript NM_000222.3 (MANE Select); coding-DNA position 1396, G replaced by A.
Protein change: p.Gly466Arg; replaces glycine 466 with arginine.
Molecular consequence: missense variant.
Genome position (GRCh38, 1-based): chr4:54,725,906, G>A. VCF-style: chr4-54725906-G-A. GRCh37 (hg19) VCF-style: chr4-55592072-G-A.
Other names: c.1396G>A, p.Gly466Arg (NM_001093772.2, NM_001385285.1, NM_001385286.1); c.1399G>A, p.Gly467Arg (NM_001385284.1, NM_001385288.1, NM_001385290.1 and 1 more transcripts); short protein forms G466R, G467R.
Identifiers: ClinVar variation 528516 (VCV000528516.12), dbSNP rs1282859149, ClinGen allele CA356906307.

ClinVar aggregate classification (germline): Conflicting classifications of pathogenicity. Review status: criteria provided, conflicting classifications (1 of 4 stars). 3 submissions from 3 submitters: Uncertain significance (2); Likely benign (1). Last evaluated 2025-07-27.

Conditions:
Gastrointestinal stromal tumor. Also called: Gastrointestinal stroma tumor; Gastrointestinal stromal tumor, somatic. Identifiers: Orphanet 44890, MedGen C0238198, MeSH D046152, MONDO:0011719, OMIM 606764, HP:0100723.
Hereditary cancer-predisposing syndrome. Also called: Tumor predisposition; Hereditary neoplastic syndrome; Hereditary Cancer Syndrome; Neoplastic Syndromes, Hereditary. Identifiers: Orphanet 140162, MedGen C0027672, MeSH D009386, MONDO:0015356.

Allele frequency attached by ClinVar (database versions not stated): gnomAD exomes below 0.00001; TOPMed below 0.00001; gnomAD 0.00002.
gnomAD v4.1: 4 of 1,613,948 alleles (0.00025%); highest among the groups gnomAD compares: African/African-American, 0.0053%; no homozygotes.

Submissions (3):

Labcorp Genetics (formerly Invitae), Labcorp
Classification: Uncertain significance for Gastrointestinal stromal tumor. Last evaluated: 2025-07-27. Review status: criteria provided, single submitter. Criteria: Invitae Variant Classification Sherloc (09022015). Collection method: clinical testing. Allele origin: germline.
Comment: This sequence change replaces glycine, which is neutral and non-polar, with arginine, which is basic and polar, at codon 466 of the KIT protein (p.Gly466Arg). This variant is present in population databases (no rsID available, gnomAD 0.007%). This variant has not been reported in the literature in individuals affected with KIT-related conditions. ClinVar contains an entry for this variant (Variation ID: 528516). An algorithm developed to predict the effect of missense changes on protein structure and function (PolyPhen-2) suggests that this variant is likely to be tolerated. In summary, the available evidence is currently insufficient to determine the role of this variant in disease. Therefore, it has been classified as a Variant of Uncertain Significance.

Ambry Genetics
Classification: Likely benign for Hereditary cancer-predisposing syndrome. Last evaluated: 2025-04-13. Review status: criteria provided, single submitter. Criteria: Ambry Variant Classification Scheme 2023. Collection method: clinical testing. Allele origin: germline.

Baylor Genetics
Classification: Uncertain significance for Gastrointestinal stromal tumor. Last evaluated: 2023-08-25. Review status: criteria provided, single submitter. Criteria: ACMG Guidelines, 2015. Collection method: clinical testing. Allele origin: unknown.